The following is an entry in ClinVar:

ClinVar aggregate classification (germline): Uncertain significance (1 of 4 stars; one submission).

Conditions:
Autosomal recessive limb-girdle muscular dystrophy type 2C (LGMDR5). Also called: MUSCULAR DYSTROPHY, DUCHENNE-LIKE; MUSCULAR DYSTROPHY, LIMB-GIRDLE, AUTOSOMAL RECESSIVE 5. Identifiers: Orphanet 353, MedGen C0410173, MONDO:0009677, OMIM 253700. Disease mechanism: Affects gamma-sarcoglycan and also disrupts the integrity of the entire sarcoglycan complex..

Allele frequency attached by ClinVar (database versions not stated): gnomAD exomes below 0.00001.
gnomAD v4.1: 1 of 1,613,810 alleles (0.000062%); highest among the groups gnomAD compares: Non-Finnish European, 0.000085%; no homozygotes.

Submission:

Labcorp Genetics (formerly Invitae), Labcorp
Classification: Uncertain significance for Autosomal recessive limb-girdle muscular dystrophy type 2C. Last evaluated: 2020-10-29. Review status: criteria provided, single submitter. Criteria: Invitae Variant Classification Sherloc (09022015). Collection method: clinical testing. Allele origin: germline.
Comment: In summary, the available evidence is currently insufficient to determine the role of this variant in disease. Therefore, it has been classified as a Variant of Uncertain Significance. Algorithms developed to predict the effect of missense changes on protein structure and function are either unavailable or do not agree on the potential impact of this missense change (SIFT: "Deleterious"; PolyPhen-2: "Benign"; Align-GVGD: "Class C0"). This variant has not been reported in the literature in individuals with SGCG-related conditions. This variant is not present in population databases (ExAC no frequency). This sequence change replaces aspartic acid with glycine at codon 187 of the SGCG protein (p.Asp187Gly). The aspartic acid residue is weakly conserved and there is a moderate physicochemical difference between aspartic acid and glycine.

NM_000231.3(SGCG):c.560A>G (p.Asp187Gly)

Gene: SGCG (sarcoglycan gamma; plus strand). Cytogenetic location: 13q12.12.
Variant type: single nucleotide variant.
Coding change: c.560A>G on transcript NM_000231.3 (MANE Select); coding-DNA position 560, A replaced by G.
Protein change: p.Asp187Gly; replaces aspartic acid 187 with glycine.
Molecular consequence: missense variant.
Genome position (GRCh38, 1-based): chr13:23,295,469, A>G. VCF-style: chr13-23295469-A-G. GRCh37 (hg19) VCF-style: chr13-23869608-A-G.
Other names: c.614A>G, p.Asp205Gly (NM_001378244.1); c.560A>G, p.Asp187Gly (NM_001378245.1, NM_001378246.1); short protein forms D187G, D205G.
Identifiers: ClinVar variation 1055453 (VCV001055453.9), dbSNP rs2137644813, ClinGen allele CA387504367.
Genomic context (GRCh38, chr13:23,295,469, plus strand): 5'-GTTTAGGGCCTGAAGGGGCTCTTTTTGAACATTCAGTGGAGACACCCCTTGTCAGAGCCG[A>G]CCCGTTTCAAGACCTTAGGTAAGAATTTTTGTTCAAATATTAACAACCTCTCCTGTAGAA-3'
Protein context (NP_000222.2, residues 177-197): HSVETPLVRA[Asp187Gly]PFQDLRLESP